The following is an entry in ClinVar:

NM_022336.4(EDAR):c.*1774G>A

Genes: EDAR (ectodysplasin A receptor; minus strand), RANBP2 (RAN binding protein 2; plus strand). Cytogenetic location: 2q13.
Variant type: single nucleotide variant.
Coding change: c.*1774G>A on transcript NM_022336.4 (MANE Select); 1774 bases downstream of the stop codon, G replaced by A.
Molecular consequence: 3 prime UTR variant.
Genome position (GRCh38, 1-based): chr2:108,895,133, C>T on the plus strand (G>A on the coding strand, the complement: EDAR is on the minus strand). VCF-style: chr2-108895133-C-T. GRCh37 (hg19) VCF-style: chr2-109511589-C-T.
Identifiers: ClinVar variation 893025 (VCV000893025.4), dbSNP rs189855301, ClinGen allele CA53463055.
Genomic context (GRCh38, chr2:108,895,133, plus strand): 5'-TAAAAGGATAATTAAGCTCTGCCGTGGAGTATTTAGCTTGCAGGGTAAACCAAATAGGTT[C>T]GAAAAACAGCAGCAAACAGACACAGTAAATGATGATATTAAATATTCAGGACCTCATTAT-3'

ClinVar aggregate classification (germline): Benign (1 of 4 stars; one submission).

Conditions:
Hypohidrotic ectodermal dysplasia (HED). Identifiers: Orphanet 238468, MedGen C5848103, MONDO:0016535, HP:0007607.

Allele frequency attached by ClinVar (database versions not stated): gnomAD 0.00097 and 0.00091; TOPMed 0.00104; 1000 Genomes Project 0.00140; 1000 Genomes Project 30x 0.00141.

Submission:

Illumina Laboratory Services, Illumina
Classification: Benign for Hypohidrotic ectodermal dysplasia. Last evaluated: 2018-01-12. Review status: criteria provided, single submitter. Criteria: ICSL Variant Classification Criteria 13 December 2019. Collection method: clinical testing. Allele origin: germline.
Comment: This variant was observed in the ICSL laboratory as part of a predisposition screen in an ostensibly healthy population. It had not been previously curated by ICSL or reported in the Human Gene Mutation Database (HGMD: prior to June 1st, 2018), and was therefore a candidate for classification through an automated scoring system. Utilizing variant allele frequency, disease prevalence and penetrance estimates, and inheritance mode, an automated score was calculated to assess if this variant is too frequent to cause the disease. Based on the score and internal cut-off values, a variant classified as benign is not then subjected to further curation. The score for this variant resulted in a classification of benign for this disease.